The following is an entry in ClinVar:

NM_003024.3(ITSN1):c.4248_4249del (p.Cys1417fs)

Gene: ITSN1 (intersectin 1; plus strand). Cytogenetic location: 21q22.11.
Variant type: Microsatellite.
Coding change: c.4248_4249del on transcript NM_003024.3 (MANE Select); coding-DNA positions 4248 to 4249, 2 bases deleted (CT; older notation c.4248_4249delCT).
Protein change: p.Cys1417fs; shifts the reading frame from cysteine 1417.
Molecular consequence: frameshift variant.
Genome position (GRCh38, 1-based): chr21:33,875,428-33,875,429, CT deleted; deleting any 2 consecutive bases within chr21:33,875,426-33,875,429 gives the same sequence; the c. name uses the placement nearest the transcript's 3' end. VCF-style (leftmost placement, unchanged base first): chr21-33875425-GCT-G. GRCh37 (hg19) VCF-style: chr21-35247729-GCT-G.
Other names: c.4233_4234del, p.Cys1412fs (NM_001331010.2); short protein forms C1412fs, C1417fs.
Identifiers: ClinVar variation 3376127 (VCV003376127.3).

ClinVar aggregate classification (germline): Pathogenic (1 of 4 stars; one submission).

Conditions:
Intellectual developmental disorder, autosomal dominant 1. Also called: MBD5 Haploinsufficiency; Intellectual disability, autosomal dominant 1. Identifiers: Orphanet 228402, MedGen C1969562, MONDO:0007974, OMIM 156200.

Submission:

Institute of Human Genetics, University of Leipzig Medical Center
Classification: Pathogenic for Intellectual developmental disorder, autosomal dominant 1. Last evaluated: 2024-10-01. Review status: criteria provided, single submitter. Criteria: ACMG Guidelines, 2015. Collection method: clinical testing. Allele origin: paternal. Inheritance: Autosomal dominant inheritance. Affected: yes.
Comment: Criteria applied: PVS1,PM2